The following is an entry in ClinVar:

NM_002334.4(LRP4):c.1284C>T (p.Pro428=)

Gene: LRP4 (LDL receptor related protein 4; minus strand). Cytogenetic location: 11p11.2.
Variant type: single nucleotide variant.
Coding change: c.1284C>T on transcript NM_002334.4 (MANE Select); coding-DNA position 1284, C replaced by T.
Protein change: p.Pro428=; no amino-acid change (proline 428 retained).
Molecular consequence: synonymous variant.
Genome position (GRCh38, 1-based): chr11:46,895,191, G>A on the plus strand (C>T on the coding strand, the complement: LRP4 is on the minus strand). VCF-style: chr11-46895191-G-A. GRCh37 (hg19) VCF-style: chr11-46916742-G-A.
Identifiers: ClinVar variation 304889 (VCV000304889.15), dbSNP rs374136996, ClinGen allele CA5970206.

ClinVar aggregate classification (germline): Conflicting classifications of pathogenicity. Review status: criteria provided, conflicting classifications (1 of 4 stars). 3 submissions from 3 submitters: Uncertain significance (1); Likely benign (1). 1 of the submissions does not count toward it. Last evaluated 2025-09-02.

Conditions:
Cenani-Lenz syndactyly syndrome. Also called: CENANI SYNDACTYLISM; SYNDACTYLY, TYPE VII. Identifiers: Orphanet 3258, MedGen C1859309, MONDO:0008931, OMIM 212780.
Congenital myasthenic syndrome 17. Identifiers: Orphanet 590, MedGen C4225377, MONDO:0014578, OMIM 616304.
Sclerosteosis 2 (SOST2). Identifiers: Orphanet 3152, MedGen C3280402, MONDO:0013679, OMIM 614305.
LRP4-related disorder. Also called: LRP4-related condition.

Allele frequency attached by ClinVar (database versions not stated): gnomAD 0.00003 and 0.00005; TOPMed 0.00004; ESP Exome Variant Server 0.00015; 1000 Genomes Project 30x 0.00016; 1000 Genomes Project 0.00020; gnomAD exomes 0.00021; ExAC 0.00025.
gnomAD v4.1: 153 of 1,614,006 alleles (0.0095%); highest among the groups gnomAD compares: Middle Eastern, 0.15%; no homozygotes.

Submissions (3):

Labcorp Genetics (formerly Invitae), Labcorp
Classification: Likely benign for Cenani-Lenz syndactyly syndrome; Sclerosteosis 2; Congenital myasthenic syndrome 17. Last evaluated: 2025-09-02. Review status: criteria provided, single submitter. Criteria: Invitae Variant Classification Sherloc (09022015). Collection method: clinical testing. Allele origin: germline.

Illumina Laboratory Services, Illumina
Classification: Uncertain significance for Cenani-Lenz syndactyly syndrome. Last evaluated: 2018-01-12. Review status: criteria provided, single submitter. Criteria: ICSL Variant Classification Criteria 13 December 2019. Collection method: clinical testing. Allele origin: germline.

PreventionGenetics, part of Exact Sciences
Classification: Likely benign for LRP4-related condition. Last evaluated: 2019-07-15. Review status: no assertion criteria provided. Collection method: clinical testing. Allele origin: germline. Not counted in ClinVar's aggregate classification.
Comment: This variant is classified as likely benign based on ACMG/AMP sequence variant interpretation guidelines (Richards et al. 2015 PMID: 25741868, with internal and published modifications).